The following is an entry in ClinVar:

NM_004168.4(SDHA):c.943G>T (p.Gly315Ter)

Gene: SDHA (succinate dehydrogenase complex flavoprotein subunit A; plus strand). Cytogenetic location: 5p15.33.
Variant type: single nucleotide variant.
Coding change: c.943G>T on transcript NM_004168.4 (MANE Select); coding-DNA position 943, G replaced by T.
Protein change: p.Gly315Ter; replaces glycine 315 with a stop codon.
Molecular consequence: nonsense.
Genome position (GRCh38, 1-based): chr5:233,524, G>T. VCF-style: chr5-233524-G-T. GRCh37 (hg19) VCF-style: chr5-233639-G-T.
Other names: c.943G>T (NM_004168.2); c.799G>T, p.Gly267Ter (NM_001294332.2); c.943G>T, p.Gly315Ter (NM_001330758.2); short protein forms G315*, G267*.
Identifiers: ClinVar variation 2921329 (VCV002921329.4), dbSNP rs2477348907, ClinGen allele CA359012635.
Genomic context (GRCh38, chr5:233,524, plus strand): 5'-TGGTTTTTTGCAGGCATATATGGTGCTGGTTGTCTCATTACGGAAGGATGTCGTGGAGAG[G>T]GAGGCATTCTCATTAACAGTCAAGGCGAAAGGTTTATGGAGCGATACGCCCCTGTCGCGA-3'

ClinVar aggregate classification (germline): Pathogenic. Review status: criteria provided, multiple submitters, no conflicts (2 of 4 stars). 2 submissions from 2 submitters: Pathogenic (2). Last evaluated 2026-06-08.

Conditions:
Mitochondrial complex II deficiency, nuclear type 1. Also called: SUCCINATE CoQ REDUCTASE DEFICIENCY. Identifiers: Orphanet 3208, MedGen C5700310, MONDO:0100294, OMIM 252011.
Pheochromocytoma/paraganglioma syndrome 5. Also called: Paragangliomas 5; SDHA-Related Hereditary Paraganglioma-Pheochromocytoma Syndrome. Identifiers: Orphanet 29072, MedGen C3279992, MONDO:0013602, OMIM 614165.
Hereditary cancer-predisposing syndrome. Also called: Tumor predisposition; Hereditary Cancer Syndrome; Neoplastic Syndromes, Hereditary; Hereditary neoplastic syndrome. Identifiers: Orphanet 140162, MedGen C0027672, MeSH D009386, MONDO:0015356.

Submissions (2):

Ambry Genetics
Classification: Pathogenic for Hereditary cancer-predisposing syndrome. Last evaluated: 2026-06-08. Review status: criteria provided, single submitter. Criteria: Ambry Variant Classification Scheme 2023. Collection method: clinical testing. Allele origin: germline.
Comment: The p.G315* pathogenic mutation (also known as c.943G>T), located in coding exon 8 of the SDHA gene, results from a G to T substitution at nucleotide position 943. This changes the amino acid from a glycine to a stop codon within coding exon 8. This variant is considered to be rare based on population cohorts in the Genome Aggregation Database (gnomAD). This alteration is expected to result in loss of function by premature protein truncation or nonsense-mediated mRNA decay. As such, this alteration is interpreted as a disease-causing mutation.

Labcorp Genetics (formerly Invitae), Labcorp
Classification: Pathogenic for Pheochromocytoma/paraganglioma syndrome 5; Mitochondrial complex II deficiency, nuclear type 1. Last evaluated: 2023-12-12. Review status: criteria provided, single submitter. Criteria: Invitae Variant Classification Sherloc (09022015). Collection method: clinical testing. Allele origin: germline.
Comment: This sequence change creates a premature translational stop signal (p.Gly315*) in the SDHA gene. It is expected to result in an absent or disrupted protein product. Loss-of-function variants in SDHA are known to be pathogenic (PMID: 22974104, 24781757). This variant is not present in population databases (gnomAD no frequency). This variant has not been reported in the literature in individuals affected with SDHA-related conditions. For these reasons, this variant has been classified as Pathogenic.

Literature cited by the submitters: PubMed 22974104 (cited by Labcorp Genetics (formerly Invitae), Labcorp); PubMed 24781757 (cited by Labcorp Genetics (formerly Invitae), Labcorp).